The following is an entry in ClinVar:

NM_000553.6(WRN):c.3384-3T>C

Gene: WRN (WRN RecQ like helicase; plus strand). Cytogenetic location: 8p12.
Variant type: single nucleotide variant.
Coding change: c.3384-3T>C on transcript NM_000553.6 (MANE Select); 3 bases into the intron before coding-DNA position 3384, T replaced by C.
Molecular consequence: intron variant.
Genome position (GRCh38, 1-based): chr8:31,147,050, T>C. VCF-style: chr8-31147050-T-C. GRCh37 (hg19) VCF-style: chr8-31004566-T-C.
Other names: p.?.
Identifiers: ClinVar variation 238152 (VCV000238152.21), dbSNP rs3087424, ClinGen allele CA4705048.

ClinVar aggregate classification (germline): Benign. Review status: criteria provided, multiple submitters, no conflicts (2 of 4 stars). 7 submissions from 7 submitters: Benign (6). 1 of the submissions does not count toward it. Last evaluated 2026-02-04.

Conditions:
WRN-related disorder. Also called: WRN-related condition.
Werner syndrome (WRN). Identifiers: Orphanet 902, MedGen C0043119, MONDO:0010196, OMIM 277700.

Allele frequency attached by ClinVar (database versions not stated): gnomAD exomes 0.00126 and 0.00315; ExAC 0.00428; 1000 Genomes Project 0.01238; gnomAD 0.01278 and 0.01376; 1000 Genomes Project 30x 0.01280; TOPMed 0.01410; ESP Exome Variant Server 0.01438.
gnomAD v4.1: 3,843 of 1,608,544 alleles (0.24%); highest among the groups gnomAD compares: African/African-American, 4.6%; 88 homozygotes.

Submissions (7):

Labcorp Genetics (formerly Invitae), Labcorp
Classification: Benign for Werner syndrome. Last evaluated: 2026-02-04. Review status: criteria provided, single submitter. Criteria: Invitae Variant Classification Sherloc (09022015). Collection method: clinical testing. Allele origin: germline.

KCCC/NGS Laboratory, Kuwait Cancer Control Center
Classification: Benign for Werner syndrome. Last evaluated: 2025-02-01. Review status: criteria provided, single submitter. Criteria: ACMG Guidelines, 2015. Collection method: clinical testing. Allele origin: germline. Affected: no.

Mayo Clinic Laboratories, Mayo Clinic
Classification: Benign. Last evaluated: 2024-11-17. Review status: criteria provided, single submitter. Criteria: ACMG Guidelines, 2015. Collection method: clinical testing. Allele origin: germline. Observed: 2 variant alleles.
Comment: BS1, BS2, BP4, BP7

Genome-Nilou Lab
Classification: Benign for Werner syndrome. Last evaluated: 2021-12-05. Review status: criteria provided, single submitter. Criteria: ACMG Guidelines, 2015. Collection method: clinical testing. Allele origin: germline. Affected: no.

GeneDx
Classification: Benign. Last evaluated: 2020-08-17. Review status: criteria provided, single submitter. Criteria: GeneDx Variant Classification Process June 2021. Collection method: clinical testing. Allele origin: germline. Affected: yes.

Illumina Laboratory Services, Illumina
Classification: Benign for Werner syndrome. Last evaluated: 2018-01-13. Review status: criteria provided, single submitter. Criteria: ICSL Variant Classification Criteria 13 December 2019. Collection method: clinical testing. Allele origin: germline.
Comment: This variant was observed in the ICSL laboratory as part of a predisposition screen in an ostensibly healthy population. It had not been previously curated by ICSL or reported in the Human Gene Mutation Database (HGMD: prior to June 1st, 2018), and was therefore a candidate for classification through an automated scoring system. Utilizing variant allele frequency, disease prevalence and penetrance estimates, and inheritance mode, an automated score was calculated to assess if this variant is too frequent to cause the disease. Based on the score and internal cut-off values, a variant classified as benign is not then subjected to further curation. The score for this variant resulted in a classification of benign for this disease.

PreventionGenetics, part of Exact Sciences
Classification: Benign for WRN-related condition. Last evaluated: 2019-08-28. Review status: no assertion criteria provided. Collection method: clinical testing. Allele origin: germline. Not counted in ClinVar's aggregate classification.
Comment: This variant is classified as benign based on ACMG/AMP sequence variant interpretation guidelines (Richards et al. 2015 PMID: 25741868, with internal and published modifications).